The following is an entry in ClinVar:

ClinVar aggregate classification (germline): Likely benign (1 of 4 stars; one submission).

gnomAD v4.1: 165 of 1,612,748 alleles (0.01%); highest among the groups gnomAD compares: Admixed American, 0.26%; no homozygotes.

Submission:

CeGaT Center for Human Genetics Tuebingen
Classification: Likely benign. Last evaluated: 2026-08-01. Review status: criteria provided, single submitter. Criteria: CeGaT Center For Human Genetics Tuebingen Variant Classification Criteria Version 2. Collection method: clinical testing. Allele origin: germline. Affected: yes. Observed: 1 variant allele.
Comment: SRRM2: BP4, BP7

NM_016333.4(SRRM2):c.7605G>A (p.Ser2535=)

Gene: SRRM2 (serine/arginine repetitive matrix 2; plus strand). Cytogenetic location: 16p13.3.
Variant type: single nucleotide variant.
Coding change: c.7605G>A on transcript NM_016333.4 (MANE Select); coding-DNA position 7605, G replaced by A.
Protein change: p.Ser2535=; no amino-acid change (serine 2535 retained).
Molecular consequence: synonymous variant.
Genome position (GRCh38, 1-based): chr16:2,768,133, G>A. VCF-style: chr16-2768133-G-A. GRCh37 (hg19) VCF-style: chr16-2818134-G-A.
Identifiers: ClinVar variation 5039643 (VCV005039643.1).